The following is an entry in ClinVar:

NM_004006.3(DMD):c.2293-144_2339del

Gene: DMD (dystrophin; minus strand). Cytogenetic location: Xp21.1.
Variant type: Deletion.
Coding change: c.2293-144_2339del on transcript NM_004006.3 (MANE Select); 144 bases into the intron before coding-DNA position 2293 through coding-DNA position 2339, 191 bases deleted.
Molecular consequence: splice acceptor variant.
Genome position (GRCh38, 1-based): chrX:32,501,796-32,501,986, 191 bases deleted. GRCh37 (hg19): chrX:32,519,913-32,520,103.
Other names: c.2269-144_2315del (NM_000109.4); c.2281-144_2327del (NM_004009.3); c.1924-144_1970del (NM_004010.3).
Identifiers: ClinVar variation 3718687 (VCV003718687.2).

ClinVar aggregate classification (germline): Likely pathogenic (1 of 4 stars; one submission).

Conditions:
Duchenne muscular dystrophy (DMD). Also called: Duchenne Muscular Dystrophy (DMD); MUSCULAR DYSTROPHY, PSEUDOHYPERTROPHIC PROGRESSIVE, DUCHENNE TYPE. Identifiers: Orphanet 98896, MedGen C0013264, MONDO:0010679, OMIM 310200.

Submission:

Labcorp Genetics (formerly Invitae), Labcorp
Classification: Likely pathogenic for Duchenne muscular dystrophy. Last evaluated: 2024-12-14. Review status: criteria provided, single submitter. Criteria: Invitae Variant Classification Sherloc (09022015). Collection method: clinical testing. Allele origin: germline.
Comment: This variant results in the deletion of part of exon 19 (c.2293-144_2339del) of the DMD gene. It is expected to disrupt RNA splicing. Variants that disrupt the donor or acceptor splice site typically lead to a loss of protein function (PMID: 16199547), and loss-of-function variants in DMD are known to be pathogenic (PMID: 16770791, 25007885). This variant is not present in population databases (gnomAD no frequency). This variant has been observed in individual(s) with clinical features of dystrophinopathies and/or Duchenne muscular dystrophy (PMID: 18752307; internal data). This variant disrupts a region of the DMD protein in which other variant(s) (p.Leu777Pro) have been observed in individuals with DMD-related conditions (PMID: 29365344, 33644936). This suggests that this is a clinically significant region of the protein, and that variants that disrupt it are likely to be disease-causing. In summary, the currently available evidence indicates that the variant is pathogenic, but additional data are needed to prove that conclusively. Therefore, this variant has been classified as Likely Pathogenic.

Literature cited by the submitters: PubMed 16199547; PubMed 16770791; PubMed 25007885; PubMed 18752307; PubMed 29365344; PubMed 33644936.